The following is an entry in ClinVar:

ClinVar aggregate classification (germline): Uncertain significance. Review status: criteria provided, multiple submitters, no conflicts (2 of 4 stars). 4 submissions from 3 submitters: Uncertain significance (4). Last evaluated 2026-08-20.

Conditions:
Cholestasis, intrahepatic, of pregnancy, 3. Identifiers: Orphanet 69665, MedGen C3554241, MONDO:0013995, OMIM 614972.
ABCB4-related disorder. Also called: ABCB4-related disorders; ABCB4-related condition.
Progressive familial intrahepatic cholestasis type 3. Also called: MDR3 DEFICIENCY; Low Gamma-GT Familial Intrahepatic Cholestasis. Identifiers: Orphanet 79305, MedGen C1865643, MONDO:0011214, OMIM 602347.

Submissions (4):

PreventionGenetics, part of Exact Sciences
Classification: Uncertain significance for ABCB4-related condition. Last evaluated: 2026-08-20. Review status: criteria provided, single submitter. Criteria: ACMG Guidelines, 2015. Collection method: clinical testing. Allele origin: germline.
Comment: The ABCB4 c.1151G>T variant is predicted to result in the amino acid substitution p.Gly384Val. To our knowledge, this variant has not been reported in the literature or in a large population database (gnomAD), indicating this variant is rare. Alternate nucleotide changes (c.1150G>A, c.1150G>C) leading to a different amino acid change at the same position (p.Gly384Arg) have been reported in the compound heterozygous state in individuals with progressive familial intrahepatic cholestasis type 3 (Bardak et al. 2025. PubMed ID: 39872042; Supplementary Table 2, Cao et al. 2024. PubMed ID: 38610052). At this time, the clinical significance of this variant is uncertain due to the absence of conclusive functional and genetic evidence.

Baylor Genetics
Classification: Uncertain significance for Progressive familial intrahepatic cholestasis type 3. Last evaluated: 2023-07-12. Review status: criteria provided, single submitter. Criteria: ACMG Guidelines, 2015. Collection method: clinical testing. Allele origin: unknown.

Baylor Genetics
Classification: Uncertain significance for Cholestasis, intrahepatic, of pregnancy, 3. Last evaluated: 2023-07-12. Review status: criteria provided, single submitter. Criteria: ACMG Guidelines, 2015. Collection method: clinical testing. Allele origin: unknown.

Labcorp Genetics (formerly Invitae), Labcorp
Classification: Uncertain significance. Last evaluated: 2023-04-29. Review status: criteria provided, single submitter. Criteria: Invitae Variant Classification Sherloc (09022015). Collection method: clinical testing. Allele origin: germline.
Comment: This sequence change replaces glycine, which is neutral and non-polar, with valine, which is neutral and non-polar, at codon 384 of the ABCB4 protein (p.Gly384Val). In summary, the available evidence is currently insufficient to determine the role of this variant in disease. Therefore, it has been classified as a Variant of Uncertain Significance. Advanced modeling of protein sequence and biophysical properties (such as structural, functional, and spatial information, amino acid conservation, physicochemical variation, residue mobility, and thermodynamic stability) has been performed at Invitae for this missense variant, however the output from this modeling did not meet the statistical confidence thresholds required to predict the impact of this variant on ABCB4 protein function. This variant has not been reported in the literature in individuals affected with ABCB4-related conditions. This variant is not present in population databases (gnomAD no frequency).

NM_000443.4(ABCB4):c.1151G>T (p.Gly384Val)

Gene: ABCB4 (ATP binding cassette subfamily B member 4; minus strand). Cytogenetic location: 7q21.12.
Variant type: single nucleotide variant.
Coding change: c.1151G>T on transcript NM_000443.4 (MANE Select); coding-DNA position 1151, G replaced by T.
Protein change: p.Gly384Val; replaces glycine 384 with valine.
Molecular consequence: missense variant.
Genome position (GRCh38, 1-based): chr7:87,443,742, C>A on the plus strand (G>T on the coding strand, the complement: ABCB4 is on the minus strand). VCF-style: chr7-87443742-C-A. GRCh37 (hg19) VCF-style: chr7-87073058-C-A.
Other names: c.1151G>T, p.Gly384Val (NM_018849.3, NM_018850.3); c.1151G>T (NM_000443.3); short protein forms G384V.
Identifiers: ClinVar variation 2582603 (VCV002582603.5), dbSNP rs886894962, ClinGen allele CA368045697.